The following is an entry in ClinVar:

ClinVar aggregate classification (germline): Uncertain significance (1 of 4 stars; one submission).

Allele frequency attached by ClinVar (database versions not stated): ExAC 0.00001; gnomAD 0.00001.
gnomAD v4.1: 25 of 1,613,944 alleles (0.0015%); highest among the groups gnomAD compares: Non-Finnish European, 0.0019%; no homozygotes.

Submission:

Labcorp Genetics (formerly Invitae), Labcorp
Classification: Uncertain significance. Last evaluated: 2021-11-26. Review status: criteria provided, single submitter. Criteria: Invitae Variant Classification Sherloc (09022015). Collection method: clinical testing. Allele origin: germline.
Comment: This sequence change replaces threonine, which is neutral and polar, with serine, which is neutral and polar, at codon 158 of the FAT4 protein (p.Thr158Ser). This variant is present in population databases (rs767365327, gnomAD 0.002%). This variant has not been reported in the literature in individuals affected with FAT4-related conditions. Advanced modeling of protein sequence and biophysical properties (such as structural, functional, and spatial information, amino acid conservation, physicochemical variation, residue mobility, and thermodynamic stability) performed at Invitae indicates that this missense variant is not expected to disrupt FAT4 protein function. In summary, the available evidence is currently insufficient to determine the role of this variant in disease. Therefore, it has been classified as a Variant of Uncertain Significance.

NM_001291303.3(FAT4):c.473C>G (p.Thr158Ser)

Gene: FAT4 (FAT atypical cadherin 4; plus strand). Cytogenetic location: 4q28.1.
Variant type: single nucleotide variant.
Coding change: c.473C>G on transcript NM_001291303.3 (MANE Select); coding-DNA position 473, C replaced by G.
Protein change: p.Thr158Ser; replaces threonine 158 with serine.
Molecular consequence: missense variant.
Genome position (GRCh38, 1-based): chr4:125,316,884, C>G. VCF-style: chr4-125316884-C-G. GRCh37 (hg19) VCF-style: chr4-126238039-C-G.
Other names: c.473C>G, p.Thr158Ser (NM_001291285.3, NM_024582.6); short protein forms T158S.
Identifiers: ClinVar variation 1501925 (VCV001501925.3), dbSNP rs767365327, ClinGen allele CA3071814.